The following is an entry in ClinVar:

ClinVar aggregate classification (germline): Pathogenic (1 of 4 stars; one submission).

Submission:

GeneDx
Classification: Pathogenic. Last evaluated: 2019-01-23. Review status: criteria provided, single submitter. Criteria: GeneDx Variant Classification (06012015). Collection method: clinical testing. Allele origin: germline. Affected: yes.
Comment: The c.1184_1194del11 variant in the ZIC1 gene has not been reported previously as a pathogenic variant nor as a benign variant, to our knowledge. The c.1184_1194del11 variant causes a frameshift starting with codon Proline 395, changes this amino acid to a Leucine residue, and creates a premature Stop codon at position 45 of the new reading frame, denoted p.Pro395LeufsX45. This variant is predicted to cause loss of normal protein function through protein truncation, as the last 53 amino acids are lost and replaced with 44 incorrect amino acids. The c.1184_1194del11 variant is not observed in large population cohorts (Lek et al., 2016). We interpret c.1184_1194del11 as a pathogenic variant.

NM_003412.4(ZIC1):c.1184_1194del (p.Pro395fs)

Gene: ZIC1 (Zic family member 1; plus strand). Cytogenetic location: 3q24.
Variant type: Deletion.
Coding change: c.1184_1194del on transcript NM_003412.4 (MANE Select); coding-DNA positions 1184 to 1194, 11 bases deleted (CGGCCGCCAGC).
Protein change: p.Pro395fs; shifts the reading frame from proline 395.
Molecular consequence: frameshift variant.
Genome position (GRCh38, 1-based): chr3:147,413,391-147,413,401, CGGCCGCCAGC deleted; deleting any 11 consecutive bases within chr3:147,413,389-147,413,401 gives the same sequence; the c. name uses the placement nearest the transcript's 3' end. VCF-style (leftmost placement, unchanged base first): chr3-147413388-CGCCGGCCGCCA-C. GRCh37 (hg19) VCF-style: chr3-147131175-CGCCGGCCGCCA-C.
Other names: short protein forms P395fs.
Identifiers: ClinVar variation 817963 (VCV000817963.1), dbSNP rs1576470734, ClinGen allele CA915941608.